The following is an entry in ClinVar:

NM_000026.4(ADSL):c.563G>A (p.Arg188His)

Gene: ADSL (adenylosuccinate lyase; plus strand). Cytogenetic location: 22q13.1.
Variant type: single nucleotide variant.
Coding change: c.563G>A on transcript NM_000026.4 (MANE Select); coding-DNA position 563, G replaced by A.
Protein change: p.Arg188His; replaces arginine 188 with histidine.
Molecular consequence: missense variant. On other transcripts: non-coding transcript variant (1).
Genome position (GRCh38, 1-based): chr22:40,358,944, G>A. VCF-style: chr22-40358944-G-A. GRCh37 (hg19) VCF-style: chr22-40754948-G-A.
Other names: c.563G>A, p.Arg188His (NM_001123378.3, NM_001363840.3); c.371G>A, p.Arg124His (NM_001317923.2); short protein forms R188H, R124H.
Identifiers: ClinVar variation 393034 (VCV000393034.19), dbSNP rs761937276, ClinGen allele CA10247756.

ClinVar aggregate classification (germline): Conflicting classifications of pathogenicity. Review status: criteria provided, conflicting classifications (1 of 4 stars). 4 submissions from 4 submitters: Likely pathogenic (2); Uncertain significance (2). Last evaluated 2026-09-14.

Conditions:
Adenylosuccinate lyase deficiency (ADSLD). Also called: ADSL DEFICIENCY. Identifiers: Orphanet 46, MedGen C0268126, MONDO:0007068, OMIM 103050.
ADSL-related disorder. Also called: ADSL-related condition.

Allele frequency attached by ClinVar (database versions not stated): ExAC 0.00001; gnomAD exomes 0.00001; TOPMed 0.00001.

Submissions (4):

GeneDx
Classification: Likely pathogenic. Last evaluated: 2026-09-14. Review status: criteria provided, single submitter. Criteria: GeneDx Variant Classification Process June 2021. Collection method: clinical testing. Allele origin: germline.
Comment: Not observed at significant frequency in large population cohorts (gnomAD); In silico analysis supports that this missense variant has a deleterious effect on protein structure/function; This variant is associated with the following publications: (PMID: 34426522, 28492532, 31164858)

Labcorp Genetics (formerly Invitae), Labcorp
Classification: Uncertain significance for Adenylosuccinate lyase deficiency. Last evaluated: 2025-01-06. Review status: criteria provided, single submitter. Criteria: Invitae Variant Classification Sherloc (09022015). Collection method: clinical testing. Allele origin: germline.
Comment: This sequence change replaces arginine, which is basic and polar, with histidine, which is basic and polar, at codon 188 of the ADSL protein (p.Arg188His). This variant is present in population databases (rs761937276, gnomAD 0.006%). This missense change has been observed in individual(s) with West syndrome (PMID: 31164858). In at least one individual the data is consistent with being in trans (on the opposite chromosome) from a pathogenic variant. ClinVar contains an entry for this variant (Variation ID: 393034). Invitae Evidence Modeling of protein sequence and biophysical properties (such as structural, functional, and spatial information, amino acid conservation, physicochemical variation, residue mobility, and thermodynamic stability) indicates that this missense variant is not expected to disrupt ADSL protein function with a negative predictive value of 80%. In summary, the available evidence is currently insufficient to determine the role of this variant in disease. Therefore, it has been classified as a Variant of Uncertain Significance.

Department of Pathology and Laboratory Medicine, Sinai Health System
Classification: Uncertain significance for adenylosuccinate lyase deficiency. Last evaluated: 2023-04-27. Review status: criteria provided, single submitter. Criteria: ACMG Guidelines, 2015. Collection method: research. Allele origin: germline.

Blueprint Genetics
Classification: Likely pathogenic for ADSL-related disorders. Last evaluated: 2020-11-24. Review status: criteria provided, single submitter. Criteria: ACMG Guidelines, 2015. Collection method: clinical testing. Allele origin: germline. Affected: yes. Observed: 3 variant alleles.

Literature cited by the submitters: PubMed 31164858 (cited by Labcorp Genetics (formerly Invitae), Labcorp).